The following is an entry in ClinVar:

NM_001330311.2(DVL1):c.1115G>A (p.Gly372Glu)

Gene: DVL1 (dishevelled segment polarity protein 1; minus strand). Cytogenetic location: 1p36.33.
Variant type: single nucleotide variant.
Coding change: c.1115G>A on transcript NM_001330311.2 (MANE Select); coding-DNA position 1115, G replaced by A.
Protein change: p.Gly372Glu; replaces glycine 372 with glutamic acid.
Molecular consequence: missense variant.
Genome position (GRCh38, 1-based): chr1:1,339,379, C>T on the plus strand (G>A on the coding strand, the complement: DVL1 is on the minus strand). VCF-style: chr1-1339379-C-T. GRCh37 (hg19) VCF-style: chr1-1274759-C-T.
Other names: c.1115G>A, p.Gly372Glu (NM_004421.3); short protein forms G372E.
Identifiers: ClinVar variation 4799544 (VCV004799544.1).
Genomic context (GRCh38, chr1:1,339,379, plus strand): 5'-GAGGAGCTGGTGCGCGTGACGGCGCTGGAGCAGGGACTCGTACCGTAGCGGGGCAGGGCT[C>T]CTGTCAGTGCCGCCGTGTGGGACAGCCAGGCGGCGGGGTCGATGGGCCGCACCGGGTCAG-3'
Protein context (NP_001317240.1, residues 362-382): AWLSHTAALT[Gly372Glu]ALPRYGTSPC

ClinVar aggregate classification (germline): Uncertain significance (1 of 4 stars; one submission).

gnomAD v4.1: 2 of 1,548,976 alleles (0.00013%); highest among the groups gnomAD compares: South Asian, 0.0012%; no homozygotes.

Submission:

Labcorp Genetics (formerly Invitae), Labcorp
Classification: Uncertain significance. Last evaluated: 2026-01-18. Review status: criteria provided, single submitter. Criteria: Invitae Variant Classification Sherloc (09022015). Collection method: clinical testing. Allele origin: germline.
Comment: This sequence change replaces glycine, which is neutral and non-polar, with glutamic acid, which is acidic and polar, at codon 372 of the DVL1 protein (p.Gly372Glu). This variant is not present in population databases (gnomAD no frequency). This variant has not been reported in the literature in individuals affected with DVL1-related conditions. Invitae Evidence Modeling of protein sequence and biophysical properties (such as structural, functional, and spatial information, amino acid conservation, physicochemical variation, residue mobility, and thermodynamic stability) indicates that this missense variant is not expected to disrupt DVL1 protein function with a negative predictive value of 80%. In summary, the available evidence is currently insufficient to determine the role of this variant in disease. Therefore, it has been classified as a Variant of Uncertain Significance.